The following is an entry in ClinVar:

NM_000525.4(KCNJ11):c.154C>T (p.Gln52Ter)

Gene: KCNJ11 (potassium inwardly rectifying channel subfamily J member 11; minus strand). Cytogenetic location: 11p15.1.
Variant type: single nucleotide variant.
Coding change: c.154C>T on transcript NM_000525.4 (MANE Select); coding-DNA position 154, C replaced by T.
Protein change: p.Gln52Ter; replaces glutamine 52 with a stop codon.
Molecular consequence: nonsense. On other transcripts: intron variant (3).
Genome position (GRCh38, 1-based): chr11:17,387,938, G>A on the plus strand (C>T on the coding strand, the complement: KCNJ11 is on the minus strand). VCF-style: chr11-17387938-G-A. GRCh37 (hg19) VCF-style: chr11-17409485-G-A.
Other names: c.-16-92C>T (NM_001166290.2, NM_001377297.1); c.-17+80C>T (NM_001377296.1); short protein forms Q52*.
Identifiers: ClinVar variation 242910 (VCV000242910.6), dbSNP rs879253757, ClinGen allele CA10584023.

ClinVar aggregate classification (germline): Conflicting classifications of pathogenicity. Review status: criteria provided, conflicting classifications (1 of 4 stars). 5 submissions from 5 submitters: Pathogenic (1); Likely pathogenic (3); Uncertain significance (1). Last evaluated 2024-12-11.

Conditions:
Diabetes mellitus, transient neonatal, 3 (TNDM3). Identifiers: Orphanet 99886, MedGen C1864623, MONDO:0012522, OMIM 610582. Disease mechanism: loss of function.
Hyperinsulinemic hypoglycemia, familial, 2. Also called: HYPERINSULINEMIC HYPOGLYCEMIA, PERSISTENT; HYPERINSULINISM, NEONATAL. Identifiers: Orphanet 276580, Orphanet 276603, MedGen C2931833, MONDO:0011153, OMIM 601820. Disease mechanism: loss of function.
Maturity-onset diabetes of the young type 13. Also called: MODY, TYPE 13. Identifiers: Orphanet 552, MedGen C4225365, MONDO:0014589, OMIM 616329.
Type 2 diabetes mellitus. Also called: Type II diabetes mellitus. Identifiers: MedGen C0011860, MeSH D003924, MONDO:0005148, OMIM 125853, HP:0005978.
Diabetes mellitus, permanent neonatal 2. Also called: KCNJ11-Related Permanent Neonatal Diabetes Mellitus. Identifiers: MedGen C5394296, MONDO:0030087, OMIM 618856.
Maturity-onset diabetes of the young (MODY). Also called: Maturity onset diabetes mellitus in young. Identifiers: Orphanet 552, MedGen C0342276, MONDO:0018911, HP:0004904.
Permanent neonatal diabetes mellitus (PNDM). Identifiers: Orphanet 99885, MedGen C1833104, MONDO:0100164, MONDO:0011643. Disease mechanism: gain of function.

Allele frequency attached by ClinVar (database versions not stated): gnomAD exomes below 0.00001 and 0.00001.

Submissions (5):

Natera, Inc.
Classification: Likely pathogenic for Permanent neonatal diabetes mellitus. Last evaluated: 2024-12-11. Review status: criteria provided, single submitter. Criteria: Natera Variant Classification Schema (03/2026). Collection method: clinical testing. Allele origin: germline.
Comment: The c.154C>T variant in KCNJ11 is a nonsense variant predicted to introduce a stop codon at amino acid 52. This variant is expected to result in nonsense mediated decay, truncation, or a dysfunctional protein product. This variant is rare in the general population with a frequency below the threshold expected for the associated phenotype(s). Given the available evidence, this variant is classified as Likely Pathogenic.

Baylor Genetics
Classification: Pathogenic for Type 2 diabetes mellitus. Last evaluated: 2024-02-08. Review status: criteria provided, single submitter. Criteria: ACMG Guidelines, 2015. Collection method: clinical testing. Allele origin: unknown.

Fulgent Genetics
Classification: Likely pathogenic for Type 2 diabetes mellitus; Hyperinsulinemic hypoglycemia, familial, 2; Diabetes mellitus, transient neonatal, 3; Maturity-onset diabetes of the young type 13; Diabetes mellitus, permanent neonatal 2. Last evaluated: 2024-01-10. Review status: criteria provided, single submitter. Criteria: ACMG Guidelines, 2015. Collection method: clinical testing. Allele origin: germline.

Center of Genomic medicine, Geneva, University Hospital of Geneva
Classification: Likely pathogenic for Hyperinsulinemic hypoglycemia, familial, 2. Last evaluated: 2015-03-16. Review status: criteria provided, single submitter. Criteria: ACMG Guidelines, 2015. Collection method: clinical testing. Allele origin: maternal. Affected: yes. Observed: 2 variant alleles. Study: Final Reports_Cases2015_1.

Clinical Genomics, Uppaluri K&H Personalized Medicine Clinic
Classification: Uncertain significance for Maturity-onset diabetes of the young. Review status: criteria provided, single submitter. Criteria: K&H Uppaluri Personalized Medicine Clinic Variant Classification & Assertion Criteria. Collection method: research. Allele origin: somatic. Inheritance: Autosomal dominant inheritance.
Comment: Mutations in KCNJ11 gene can cause decreased production and secretion of insulin. This can lead to MODY which may be responsive to oral sulfonylureas. It is also associated with Neonatal Diabetes. However, no sufficient evidence is found to ascertain the role of rs879253757 variant in MODY yet.

Literature cited by the submitters: PubMed 26448950 (cited by Clinical Genomics, Uppaluri K&H Personalized Medicine Clinic); PubMed 15580558 (cited by Clinical Genomics, Uppaluri K&H Personalized Medicine Clinic); PubMed 15718250 (cited by Clinical Genomics, Uppaluri K&H Personalized Medicine Clinic).